The following is an entry in ClinVar:

ClinVar aggregate classification (germline): Benign/Likely benign. Review status: criteria provided, multiple submitters, no conflicts (2 of 4 stars). 8 submissions from 8 submitters: Benign (3); Likely benign (3). 2 of the submissions do not count toward it. Last evaluated 2026-01-28.

Conditions:
Epilepsy, childhood absence, susceptibility to, 6. Identifiers: Orphanet 64280, MedGen C2749872, MONDO:0012763, OMIM 611942.
Hyperaldosteronism, familial, type IV (HALD4). Also called: FH IV; ALDOSTERONISM, PRIMARY, AND HYPERTENSION. Identifiers: Orphanet 642671, MedGen C4310756, MONDO:0014875, OMIM 617027.
Idiopathic generalized epilepsy. Also called: EIG; Generalised epilepsy. Identifiers: MedGen C0270850, MONDO:0005579, OMIM 600669.

Allele frequency attached by ClinVar (database versions not stated): 1000 Genomes Project 0.00260; 1000 Genomes Project 30x 0.00265; TOPMed 0.00328; ESP Exome Variant Server 0.00397; ExAC 0.00521; gnomAD 0.00526 and 0.00542; gnomAD exomes 0.00567 and 0.00639.
gnomAD v4.1: 9,694 of 1,551,042 alleles (0.62%); highest among the groups gnomAD compares: Non-Finnish European, 0.65%; 60 homozygotes.

Submissions (8):

Labcorp Genetics (formerly Invitae), Labcorp
Classification: Benign for Idiopathic generalized epilepsy; Hyperaldosteronism, familial, type IV. Last evaluated: 2026-01-28. Review status: criteria provided, single submitter. Criteria: Invitae Variant Classification Sherloc (09022015). Collection method: clinical testing. Allele origin: germline.

Blueprint Genetics
Classification: Likely benign. Last evaluated: 2024-11-26. Review status: criteria provided, single submitter. Criteria: ACMG Guidelines, 2015. Collection method: clinical testing. Allele origin: germline.

CeGaT Center for Human Genetics Tuebingen
Classification: Likely benign. Last evaluated: 2024-09-01. Review status: criteria provided, single submitter. Criteria: CeGaT Center For Human Genetics Tuebingen Variant Classification Criteria Version 2. Collection method: clinical testing. Allele origin: germline. Affected: yes. Observed: 5 variant alleles.
Comment: CACNA1H: BP4, BS2

Fulgent Genetics
Classification: Likely benign for Epilepsy, childhood absence, susceptibility to, 6; Hyperaldosteronism, familial, type IV. Last evaluated: 2021-07-26. Review status: criteria provided, single submitter. Criteria: ACMG Guidelines, 2015. Collection method: clinical testing. Allele origin: unknown.

Athena Diagnostics
Classification: Benign. Last evaluated: 2017-09-30. Review status: criteria provided, single submitter. Criteria: Athena Diagnostics Criteria. Collection method: clinical testing. Allele origin: germline.

Genome Diagnostics Laboratory, University Medical Center Utrecht
Classification: Benign for Epilepsy, childhood absence, susceptibility to, 6. Last evaluated: 2014-10-10. Review status: criteria provided, single submitter. Criteria: ACGS Guidelines, 2013. Collection method: clinical testing. Allele origin: germline. Affected: yes. Study: VKGL Data-share Consensus.

Clinical Genetics DNA and cytogenetics Diagnostics Lab, Erasmus MC, Erasmus Medical Center
Classification: Benign. Review status: no assertion criteria provided. Collection method: clinical testing. Allele origin: germline. Affected: yes. Study: VKGL Data-share Consensus. Not counted in ClinVar's aggregate classification.

Diagnostic Laboratory, Department of Genetics, University Medical Center Groningen
Classification: Benign for Epilepsy, childhood absence, susceptibility to, 6. Review status: no assertion criteria provided. Collection method: clinical testing. Allele origin: germline. Affected: yes. Study: VKGL Data-share Consensus. Not counted in ClinVar's aggregate classification.

NM_021098.3(CACNA1H):c.5493C>T (p.Tyr1831=)

Gene: CACNA1H (calcium voltage-gated channel subunit alpha1 H; plus strand). Cytogenetic location: 16p13.3.
Variant type: single nucleotide variant.
Coding change: c.5493C>T on transcript NM_021098.3 (MANE Select); coding-DNA position 5493, C replaced by T.
Protein change: p.Tyr1831=; no amino-acid change (tyrosine 1831 retained).
Molecular consequence: synonymous variant.
Genome position (GRCh38, 1-based): chr16:1,218,257, C>T. VCF-style: chr16-1218257-C-T. GRCh37 (hg19) VCF-style: chr16-1268257-C-T.
Other names: c.5475C>T, p.Tyr1825= (NM_001005407.2).
Identifiers: ClinVar variation 460145 (VCV000460145.40), dbSNP rs60218977, ClinGen allele CA7802053.